The following is an entry in ClinVar:

NM_000089.4(COL1A2):c.3934G>A (p.Val1312Ile)

Gene: COL1A2 (collagen type I alpha 2 chain; plus strand). Cytogenetic location: 7q21.3.
Variant type: single nucleotide variant.
Coding change: c.3934G>A on transcript NM_000089.4 (MANE Select); coding-DNA position 3934, G replaced by A.
Protein change: p.Val1312Ile; replaces valine 1312 with isoleucine.
Molecular consequence: missense variant.
Genome position (GRCh38, 1-based): chr7:94,429,410, G>A. VCF-style: chr7-94429410-G-A. GRCh37 (hg19) VCF-style: chr7-94058722-G-A.
Other names: short protein forms V1312I.
Identifiers: ClinVar variation 5034723 (VCV005034723.1).

ClinVar aggregate classification (germline): Uncertain significance (1 of 4 stars; one submission).

Conditions:
Cardiovascular phenotype. Identifiers: MedGen CN230736.

gnomAD v4.1: 1 of 1,614,050 alleles (0.000062%); highest among the groups gnomAD compares: Non-Finnish European, 0.000085%; no homozygotes.

Submission:

Ambry Genetics
Classification: Uncertain significance for Cardiovascular phenotype. Last evaluated: 2026-08-24. Review status: criteria provided, single submitter. Criteria: Ambry Variant Classification Scheme 2023. Collection method: clinical testing. Allele origin: germline.
Comment: The p.V1312I variant (also known as c.3934G>A), located in coding exon 51 of the COL1A2 gene, results from a G to A substitution at nucleotide position 3934. The valine at codon 1312 is replaced by isoleucine, an amino acid with highly similar properties. This amino acid position is conserved. In addition, the in silico prediction for this alteration is inconclusive. Based on the available evidence, the clinical significance of this variant remains unclear.